The following is an entry in ClinVar:

ClinVar aggregate classification (germline): Uncertain significance (1 of 4 stars; one submission).

Allele frequency attached by ClinVar (database versions not stated): gnomAD exomes below 0.00001; ExAC 0.00001; gnomAD 0.00003.
gnomAD v4.1: 5 of 1,613,224 alleles (0.00031%); highest among the groups gnomAD compares: African/African-American, 0.0013%; no homozygotes.

Submission:

Labcorp Genetics (formerly Invitae), Labcorp
Classification: Uncertain significance. Last evaluated: 2021-09-30. Review status: criteria provided, single submitter. Criteria: Invitae Variant Classification Sherloc (09022015). Collection method: clinical testing. Allele origin: germline.
Comment: This sequence change replaces threonine with serine at codon 841 of the ADGRV1 protein (p.Thr841Ser). The threonine residue is moderately conserved and there is a small physicochemical difference between threonine and serine. This variant is present in population databases (rs748343266, ExAC 0.001%). This variant has not been reported in the literature in individuals affected with ADGRV1-related conditions. Algorithms developed to predict the effect of missense changes on protein structure and function are either unavailable or do not agree on the potential impact of this missense change (SIFT: "Tolerated"; PolyPhen-2: "Possibly Damaging"; Align-GVGD: "Class C0"). In summary, the available evidence is currently insufficient to determine the role of this variant in disease. Therefore, it has been classified as a Variant of Uncertain Significance.

NM_032119.4(ADGRV1):c.2522C>G (p.Thr841Ser)

Gene: ADGRV1 (adhesion G protein-coupled receptor V1; plus strand). Cytogenetic location: 5q14.3.
Variant type: single nucleotide variant.
Coding change: c.2522C>G on transcript NM_032119.4 (MANE Select); coding-DNA position 2522, C replaced by G.
Protein change: p.Thr841Ser; replaces threonine 841 with serine.
Molecular consequence: missense variant. On other transcripts: non-coding transcript variant (1).
Genome position (GRCh38, 1-based): chr5:90,643,010, C>G. VCF-style: chr5-90643010-C-G. GRCh37 (hg19) VCF-style: chr5-89938827-C-G.
Other names: short protein forms T841S.
Identifiers: ClinVar variation 1501420 (VCV001501420.3), dbSNP rs748343266, ClinGen allele CA3338950.